The following is an entry in ClinVar:

ClinVar aggregate classification (germline): Likely benign (1 of 4 stars; one submission).

Allele frequency attached by ClinVar (database versions not stated): 1000 Genomes Project 30x 0.00328; 1000 Genomes Project 0.00359; TOPMed 0.00490; gnomAD 0.00614; ESP Exome Variant Server 0.00635; gnomAD exomes 0.01009; ExAC 0.01122.
gnomAD v4.1: 13,843 of 1,453,382 alleles (0.95%); highest among the groups gnomAD compares: Non-Finnish European, 1.1%; 99 homozygotes.

Submission:

CeGaT Center for Human Genetics Tuebingen
Classification: Likely benign. Last evaluated: 2022-11-01. Review status: criteria provided, single submitter. Criteria: CeGaT Center For Human Genetics Tuebingen Variant Classification Criteria Version 2. Collection method: clinical testing. Allele origin: germline. Affected: yes. Observed: 1 variant allele.
Comment: FAM43A: BP4, BS2

NM_153690.5(FAM43A):c.983G>A (p.Gly328Asp)

Genes: FAM43A (family with sequence similarity 43 member A; plus strand), LOC129938214 (ATAC-STARR-seq lymphoblastoid silent region 15028; plus strand). Cytogenetic location: 3q29.
Variant type: single nucleotide variant.
Coding change: c.983G>A on transcript NM_153690.5 (MANE Select); coding-DNA position 983, G replaced by A.
Protein change: p.Gly328Asp; replaces glycine 328 with aspartic acid.
Molecular consequence: missense variant.
Genome position (GRCh38, 1-based): chr3:194,687,809, G>A. VCF-style: chr3-194687809-G-A. GRCh37 (hg19) VCF-style: chr3-194408538-G-A.
Other names: short protein forms G328D.
Identifiers: ClinVar variation 2654365 (VCV002654365.24), dbSNP rs200918957, ClinGen allele CA2763836.
Genomic context (GRCh38, chr3:194,687,809, plus strand): 5'-TTGAGTGCGGGGACTTGTTGGATACTCTGGAGAATGGCCGTGGGGAGGCGCTAGGAGGCG[G>A]CGGGGGCTCCCTGGGCCCGGGGGCCGGGCCGCCGCCTCTGCTGCTGGGCAGCGCCTCCGA-3'
Protein context (NP_710157.2, residues 318-338): ENGRGEALGG[Gly328Asp]GGSLGPGAGP